The following is an entry in ClinVar:

NM_024408.4(NOTCH2):c.5123C>T (p.Ser1708Phe)

Gene: NOTCH2 (notch receptor 2; minus strand). Cytogenetic location: 1p12.
Variant type: single nucleotide variant.
Coding change: c.5123C>T on transcript NM_024408.4 (MANE Select); coding-DNA position 5123, C replaced by T.
Protein change: p.Ser1708Phe; replaces serine 1708 with phenylalanine.
Molecular consequence: missense variant.
Genome position (GRCh38, 1-based): chr1:119,922,326, G>A on the plus strand (C>T on the coding strand, the complement: NOTCH2 is on the minus strand). VCF-style: chr1-119922326-G-A. GRCh37 (hg19) VCF-style: chr1-120464949-G-A.
Other names: c.5123C>T (NM_024408.3); short protein forms S1708F.
Identifiers: ClinVar variation 500861 (VCV000500861.14), dbSNP rs761415665, ClinGen allele CA1039716.
Genomic context (GRCh38, chr1:119,922,326, plus strand): 5'-TCACGACGCTTGTGATTGCTTGCATCTCGGCGAAGAGTGAAACCTTCAGGCAGCCAGAGA[G>A]AGCCATGCTTACGCTTTCGTTTTGCCATGATTACCCCCAGCAGAATAATAAACAGAATGA-3'
Protein context (NP_077719.2, residues 1698-1718): IMAKRKRKHG[Ser1708Phe]LWLPEGFTLR

ClinVar aggregate classification (germline): Conflicting classifications of pathogenicity. Review status: criteria provided, conflicting classifications (1 of 4 stars). 3 submissions from 3 submitters: Uncertain significance (1); Benign (1); Likely benign (1). Last evaluated 2025-09-11.

Conditions:
NOTCH2-related disorder. Also called: NOTCH2-related condition.
Hajdu-Cheney syndrome (HJCYS). Also called: ACROOSTEOLYSIS WITH OSTEOPOROSIS AND CHANGES IN SKULL AND MANDIBLE; SERPENTINE FIBULA-POLYCYSTIC KIDNEY SYNDROME; Acroosteolysis dominant type. Identifiers: Orphanet 955, MedGen C0917715, MONDO:0007057, OMIM 102500.

Allele frequency attached by ClinVar (database versions not stated): gnomAD 0.00002; TOPMed 0.00003; gnomAD exomes 0.00005 and 0.00012; ExAC 0.00013.
gnomAD v4.1: 35 of 1,614,078 alleles (0.0022%); highest among the groups gnomAD compares: Admixed American, 0.057%; no homozygotes.

Submissions (3):

Labcorp Genetics (formerly Invitae), Labcorp
Classification: Benign for Hajdu-Cheney syndrome. Last evaluated: 2025-09-11. Review status: criteria provided, single submitter. Criteria: Invitae Variant Classification Sherloc (09022015). Collection method: clinical testing. Allele origin: germline.

PreventionGenetics, part of Exact Sciences
Classification: Likely benign for NOTCH2-related condition. Last evaluated: 2025-04-07. Review status: criteria provided, single submitter. Criteria: ACMG Guidelines, 2015. Collection method: clinical testing. Allele origin: germline.
Comment: This variant is classified as likely benign based on ACMG/AMP sequence variant interpretation guidelines (Richards et al. 2015 PMID: 25741868, with internal and published modifications).

Eurofins Ntd Llc (ga)
Classification: Uncertain significance. Last evaluated: 2018-08-08. Review status: criteria provided, single submitter. Criteria: EGL ClinVar v180209 classification definitions. Collection method: clinical testing. Allele origin: germline. Observed: 3 variant alleles, 3 heterozygotes.